The following is an entry in ClinVar:

NM_001556.3(IKBKB):c.767C>T (p.Ser256Leu)

Gene: IKBKB (inhibitor of nuclear factor kappa B kinase subunit beta; plus strand). Cytogenetic location: 8p11.21.
Variant type: single nucleotide variant.
Coding change: c.767C>T on transcript NM_001556.3 (MANE Select); coding-DNA position 767, C replaced by T.
Protein change: p.Ser256Leu; replaces serine 256 with leucine.
Molecular consequence: missense variant. On other transcripts: non-coding transcript variant (3).
Genome position (GRCh38, 1-based): chr8:42,314,396, C>T. VCF-style: chr8-42314396-C-T. GRCh37 (hg19) VCF-style: chr8-42171914-C-T.
Other names: c.575C>T, p.Ser192Leu (NM_001190720.3); c.590C>T, p.Ser197Leu (NM_001242778.2); short protein forms S197L, S256L, S192L.
Identifiers: ClinVar variation 2913823 (VCV002913823.3), dbSNP rs777275618, ClinGen allele CA4731789.

ClinVar aggregate classification (germline): Uncertain significance (1 of 4 stars; one submission).

Conditions:
Severe combined immunodeficiency due to IKK2 deficiency. Also called: Immunodeficiency 15; IMMUNODEFICIENCY 15B. Identifiers: Orphanet 397787, MedGen C4747743, MONDO:0014267, OMIM 615592.

Allele frequency attached by ClinVar (database versions not stated): gnomAD exomes below 0.00001; TOPMed below 0.00001; ExAC 0.00001.
gnomAD v4.1: 1 of 1,612,484 alleles (0.000062%); highest among the groups gnomAD compares: Admixed American, 0.0017%; no homozygotes.

Submission:

Labcorp Genetics (formerly Invitae), Labcorp
Classification: Uncertain significance for Severe combined immunodeficiency due to IKK2 deficiency. Last evaluated: 2023-08-28. Review status: criteria provided, single submitter. Criteria: Invitae Variant Classification Sherloc (09022015). Collection method: clinical testing. Allele origin: germline.
Comment: In summary, the available evidence is currently insufficient to determine the role of this variant in disease. Therefore, it has been classified as a Variant of Uncertain Significance. Advanced modeling of protein sequence and biophysical properties (such as structural, functional, and spatial information, amino acid conservation, physicochemical variation, residue mobility, and thermodynamic stability) performed at Invitae indicates that this missense variant is not expected to disrupt IKBKB protein function. This variant has not been reported in the literature in individuals affected with IKBKB-related conditions. This variant is present in population databases (rs777275618, gnomAD 0.003%). This sequence change replaces serine, which is neutral and polar, with leucine, which is neutral and non-polar, at codon 256 of the IKBKB protein (p.Ser256Leu).